The following is an entry in ClinVar:

ClinVar aggregate classification (germline): Uncertain significance. Review status: criteria provided, multiple submitters, no conflicts (2 of 4 stars). 2 submissions from 2 submitters: Uncertain significance (2). Last evaluated 2022-02-04.

Conditions:
Fetal akinesia deformation sequence 1 (FADS1). Also called: Pena-Shokeir syndrome type I; Fetal akinesia sequence. Identifiers: Orphanet 994, MedGen C1276035, MONDO:0100101, OMIM 208150, HP:0001989.
Congenital myasthenic syndrome 9. Also called: Myasthenic syndrome, congenital, 9, associated with acetylcholine receptor deficiency. Identifiers: Orphanet 590, MedGen C4225368, MONDO:0014587, OMIM 616325.

Allele frequency attached by ClinVar (database versions not stated): ExAC 0.00001; gnomAD 0.00001; gnomAD exomes 0.00001.
gnomAD v4.1: 19 of 1,613,294 alleles (0.0012%); highest among the groups gnomAD compares: Non-Finnish European, 0.0014%; no homozygotes.

Submissions (2):

Labcorp Genetics (formerly Invitae), Labcorp
Classification: Uncertain significance for Congenital myasthenic syndrome 9; Fetal akinesia deformation sequence 1. Last evaluated: 2022-02-04. Review status: criteria provided, single submitter. Criteria: Invitae Variant Classification Sherloc (09022015). Collection method: clinical testing. Allele origin: germline.
Comment: This sequence change replaces glutamic acid, which is acidic and polar, with valine, which is neutral and non-polar, at codon 632 of the MUSK protein (p.Glu632Val). This variant is present in population databases (rs769807910, gnomAD 0.002%). This variant has not been reported in the literature in individuals affected with MUSK-related conditions. Algorithms developed to predict the effect of missense changes on protein structure and function (SIFT, PolyPhen-2, Align-GVGD) all suggest that this variant is likely to be disruptive. In summary, the available evidence is currently insufficient to determine the role of this variant in disease. Therefore, it has been classified as a Variant of Uncertain Significance.

Revvity Omics, Revvity
Classification: Uncertain significance. Last evaluated: 2019-01-25. Review status: criteria provided, single submitter. Criteria: ACMG Guidelines, 2015. Collection method: clinical testing. Allele origin: germline.

NM_005592.4(MUSK):c.1895A>T (p.Glu632Val)

Gene: MUSK (muscle associated receptor tyrosine kinase; plus strand). Cytogenetic location: 9q31.3.
Variant type: single nucleotide variant.
Coding change: c.1895A>T on transcript NM_005592.4 (MANE Select); coding-DNA position 1895, A replaced by T.
Protein change: p.Glu632Val; replaces glutamic acid 632 with valine.
Molecular consequence: missense variant.
Genome position (GRCh38, 1-based): chr9:110,787,806, A>T. VCF-style: chr9-110787806-A-T. GRCh37 (hg19) VCF-style: chr9-113550086-A-T.
Other names: c.1895A>T (NM_005592.3); c.1637A>T, p.Glu546Val (NM_001166280.2); c.1607A>T, p.Glu536Val (NM_001166281.2); c.635A>T, p.Glu212Val (NM_001369398.1); short protein forms E546V, E536V, E632V, E212V.
Identifiers: ClinVar variation 1487862 (VCV001487862.8), dbSNP rs769807910, ClinGen allele CA5184498.